The following is an entry in ClinVar:

ClinVar aggregate classification (germline): Uncertain significance (1 of 4 stars; one submission).

Submission:

Women's Health and Genetics/Laboratory Corporation of America, LabCorp
Classification: Uncertain significance. Last evaluated: 2024-11-21. Review status: criteria provided, single submitter. Criteria: LabCorp Variant Classification Summary - May 2015. Collection method: clinical testing. Allele origin: germline.
Comment: Variant summary: SON c.5747A>G (p.Lys1916Arg) results in a conservative amino acid change in the encoded protein sequence. Four of five in-silico tools predict a benign effect of the variant on protein function. The variant was absent in 250260 control chromosomes. The available data on variant occurrences in the general population are insufficient to allow any conclusion about variant significance. To our knowledge, no occurrence of c.5747A>G in individuals affected with ZTTK Syndrome and no experimental evidence demonstrating its impact on protein function have been reported. No submitters have cited clinical-significance assessments for this variant to ClinVar. Based on the evidence outlined above, the variant was classified as uncertain significance.

NM_138927.4(SON):c.5747A>G (p.Lys1916Arg)

Gene: SON (SON DNA and RNA binding protein; plus strand). Cytogenetic location: 21q22.11.
Variant type: single nucleotide variant.
Coding change: c.5747A>G on transcript NM_138927.4 (MANE Select); coding-DNA position 5747, A replaced by G.
Protein change: p.Lys1916Arg; replaces lysine 1916 with arginine.
Molecular consequence: missense variant. On other transcripts: non-coding transcript variant (1), intron variant (1).
Genome position (GRCh38, 1-based): chr21:33,554,978, A>G. VCF-style: chr21-33554978-A-G. GRCh37 (hg19) VCF-style: chr21-34927284-A-G.
Other names: c.5747A>G, p.Lys1916Arg (NM_001291411.2, NM_032195.3); c.245-2178A>G (NM_001291412.3); short protein forms K1916R.
Identifiers: ClinVar variation 3629935 (VCV003629935.1).